The following is an entry in ClinVar:

ClinVar aggregate classification (germline): Likely pathogenic (1 of 4 stars; one submission).

Conditions:
Sideroblastic anemia 2. Also called: Anemia, sideroblastic, 2, pyridoxine-refractory. Identifiers: Orphanet 260305, MedGen C4225425, MONDO:0008785, OMIM 205950.

Submission:

Laboratorio de Genetica e Diagnostico Molecular, Hospital Israelita Albert Einstein
Classification: Likely pathogenic for Sideroblastic anemia 2. Last evaluated: 2026-01-21. Review status: criteria provided, single submitter. Criteria: ACMG Guidelines, 2015. Collection method: clinical testing. Allele origin: germline. Affected: yes.
Comment: ACMG classification criteria: PVS1 very strong, PM2 supporting

NM_017875.4(SLC25A38):c.691del (p.Ala231fs)

Gene: SLC25A38 (solute carrier family 25 member 38; plus strand). Cytogenetic location: 3p22.1.
Variant type: Deletion.
Coding change: c.691del on transcript NM_017875.4 (MANE Select); coding-DNA position 691, one base deleted (G; older notation c.691delG).
Protein change: p.Ala231fs; shifts the reading frame from alanine 231.
Molecular consequence: frameshift variant. On other transcripts: intron variant (1).
Genome position (GRCh38, 1-based): chr3:39,394,475, G deleted; the last of 2 consecutive G bases (chr3:39,394,474-39,394,475); deleting either gives the same sequence. VCF-style (leftmost placement, unchanged base first): chr3-39394473-TG-T. GRCh37 (hg19) VCF-style: chr3-39435964-TG-T.
Other names: c.626-1923del (NM_001354798.2); short protein forms A231fs.
Identifiers: ClinVar variation 4846930 (VCV004846930.1).
Genomic context (GRCh38, chr3:39,394,473, plus strand): 5'-AGGTGGATGCAACCCTTATTCCTATTACAAATTTCAGCTGTGGGATATTTGCTGGTATTC[TG>T]GCCTCACTGGTAACTCAACCTGCGGATGTTATCAAAACTCATATGCAGCTTTATCCACTG-3'